The following is an entry in ClinVar:

NM_006648.4(WNK2):c.1264C>A (p.His422Asn)

Gene: WNK2 (WNK lysine deficient protein kinase 2; plus strand). Cytogenetic location: 9q22.31.
Variant type: single nucleotide variant.
Coding change: c.1264C>A on transcript NM_006648.4 (MANE Select); coding-DNA position 1264, C replaced by A.
Protein change: p.His422Asn; replaces histidine 422 with asparagine.
Molecular consequence: missense variant.
Genome position (GRCh38, 1-based): chr9:93,238,263, C>A. VCF-style: chr9-93238263-C-A. GRCh37 (hg19) VCF-style: chr9-96000545-C-A.
Other names: c.1264C>A, p.His422Asn (NM_001282394.3); short protein forms H422N.
Identifiers: ClinVar variation 5031973 (VCV005031973.1).

ClinVar aggregate classification (germline): Uncertain significance (1 of 4 stars; one submission).

gnomAD v4.1: 2 of 1,614,006 alleles (0.00012%); highest among the groups gnomAD compares: South Asian, 0.0011%; no homozygotes.

Submission:

Ambry Genetics
Classification: Uncertain significance. Last evaluated: 2026-09-06. Review status: criteria provided, single submitter. Criteria: Ambry Variant Classification Scheme 2023. Collection method: clinical testing. Allele origin: germline.
Comment: The p.H422N variant (also known as c.1264C>A), located in coding exon 5 of the WNK2 gene, results from a C to A substitution at nucleotide position 1264. The histidine at codon 422 is replaced by asparagine, an amino acid with similar properties. This amino acid position is conserved. In addition, this alteration is predicted to be tolerated by in silico analysis. Based on the available evidence, the clinical significance of this variant remains unclear.